The following is an entry in ClinVar:

ClinVar aggregate classification (germline): Uncertain significance (1 of 4 stars; one submission).

Conditions:
Acute myeloid leukemia (AML). Also called: Acute myeloid leukemia, adult; AML adult; Acute non-lymphocytic leukemia; Acute granulocytic leukemia; Leukemia, acute myelogenous, somatic; Leukemia, acute myeloid, somatic. Identifiers: Orphanet 519, MedGen C0023467, MeSH D015470, MONDO:0018874, OMIM 601626, HP:0004808. Disease mechanism: Constitutively activated FLT3.

Allele frequency attached by ClinVar (database versions not stated): gnomAD exomes below 0.00001.
gnomAD v4.1: 1 of 1,484,878 alleles (0.000067%); highest among the groups gnomAD compares: Admixed American, 0.0023%; no homozygotes.

Submission:

Labcorp Genetics (formerly Invitae), Labcorp
Classification: Uncertain significance for Acute myeloid leukemia. Last evaluated: 2023-11-01. Review status: criteria provided, single submitter. Criteria: Invitae Variant Classification Sherloc (09022015). Collection method: clinical testing. Allele origin: germline.
Comment: This sequence change replaces alanine, which is neutral and non-polar, with valine, which is neutral and non-polar, at codon 47 of the CEBPA protein (p.Ala47Val). This variant is not present in population databases (gnomAD no frequency). This variant has not been reported in the literature in individuals affected with CEBPA-related conditions. ClinVar contains an entry for this variant (Variation ID: 1019942). Advanced modeling of protein sequence and biophysical properties (such as structural, functional, and spatial information, amino acid conservation, physicochemical variation, residue mobility, and thermodynamic stability) performed at Invitae indicates that this missense variant is not expected to disrupt CEBPA protein function with a negative predictive value of 80%. In summary, the available evidence is currently insufficient to determine the role of this variant in disease. Therefore, it has been classified as a Variant of Uncertain Significance.

NM_004364.5(CEBPA):c.140C>T (p.Ala47Val)

Gene: CEBPA (CCAAT enhancer binding protein alpha; minus strand). Cytogenetic location: 19q13.11.
Variant type: single nucleotide variant.
Coding change: c.140C>T on transcript NM_004364.5 (MANE Select); coding-DNA position 140, C replaced by T.
Protein change: p.Ala47Val; replaces alanine 47 with valine.
Molecular consequence: missense variant. On other transcripts: 5 prime UTR variant (1).
Genome position (GRCh38, 1-based): chr19:33,302,275, G>A on the plus strand (C>T on the coding strand, the complement: CEBPA is on the minus strand). VCF-style: chr19-33302275-G-A. GRCh37 (hg19) VCF-style: chr19-33793181-G-A.
Other names: c.-218C>T (NM_001285829.2); c.98C>T, p.Ala33Val (NM_001287435.2); c.245C>T, p.Ala82Val (NM_001287424.2); short protein forms A33V, A47V, A82V.
Identifiers: ClinVar variation 1019942 (VCV001019942.9), dbSNP rs1444506221, ClinGen allele CA405275592.